The following is an entry in ClinVar:

ClinVar aggregate classification (germline): Benign. Review status: criteria provided, multiple submitters, no conflicts (2 of 4 stars). 3 submissions from 3 submitters: Benign (2). 1 of the submissions does not count toward it. Last evaluated 2018-05-08.

Conditions:
DCDC5-related condition.

Allele frequency attached by ClinVar (database versions not stated): gnomAD exomes 0.00387; ExAC 0.00468; 1000 Genomes Project 0.01438; gnomAD 0.01494 and 0.01619; 1000 Genomes Project 30x 0.01530; TOPMed 0.01608; ESP Exome Variant Server 0.01615.
gnomAD v4.1: 4,517 of 1,613,726 alleles (0.28%); highest among the groups gnomAD compares: African/African-American, 5.1%; 113 homozygotes.

Submissions (3):

Labcorp Genetics (formerly Invitae), Labcorp
Classification: Benign. Last evaluated: 2018-05-08. Review status: criteria provided, single submitter. Criteria: Invitae Variant Classification Sherloc (09022015). Collection method: clinical testing. Allele origin: germline.

Breakthrough Genomics
Classification: Benign. Review status: criteria provided, single submitter. Criteria: ACMG Guidelines, 2015. Collection method: not provided. Allele origin: germline. Inheritance: Unknown mechanism. Affected: yes.

PreventionGenetics, part of Exact Sciences
Classification: Benign for DCDC5-related condition. Last evaluated: 2019-05-28. Review status: no assertion criteria provided. Collection method: clinical testing. Allele origin: germline. Not counted in ClinVar's aggregate classification.
Comment: This variant is classified as benign based on ACMG/AMP sequence variant interpretation guidelines (Richards et al. 2015 PMID: 25741868, with internal and published modifications).

NM_001387274.1(DCDC1):c.4291G>A (p.Ala1431Thr)

Gene: DCDC1 (doublecortin domain containing 1; minus strand). Cytogenetic location: 11p14.1.
Variant type: single nucleotide variant.
Coding change: c.4291G>A on transcript NM_001387274.1 (MANE Select); coding-DNA position 4291, G replaced by A.
Protein change: p.Ala1431Thr; replaces alanine 1431 with threonine.
Molecular consequence: missense variant.
Genome position (GRCh38, 1-based): chr11:30,904,978, C>T on the plus strand (G>A on the coding strand, the complement: DCDC1 is on the minus strand). VCF-style: chr11-30904978-C-T. GRCh37 (hg19) VCF-style: chr11-30926525-C-T.
Other names: c.4291G>A, p.Ala1431Thr (NM_001367979.1); c.1045G>A, p.Ala349Thr (NM_001387275.1); c.1612G>A, p.Ala538Thr (NM_020869.4); short protein forms A1431T, A538T, A349T.
Identifiers: ClinVar variation 718776 (VCV000718776.5), dbSNP rs61747656, ClinGen allele CA5931567.